The following is an entry in ClinVar:

NM_017849.4(TMEM127):c.338T>G (p.Leu113Arg)

Gene: TMEM127 (transmembrane protein 127; minus strand). Cytogenetic location: 2q11.2.
Variant type: single nucleotide variant.
Coding change: c.338T>G on transcript NM_017849.4 (MANE Select); coding-DNA position 338, T replaced by G.
Protein change: p.Leu113Arg; replaces leucine 113 with arginine.
Molecular consequence: missense variant.
Genome position (GRCh38, 1-based): chr2:96,254,904, A>C on the plus strand (T>G on the coding strand, the complement: TMEM127 is on the minus strand). VCF-style: chr2-96254904-A-C. GRCh37 (hg19) VCF-style: chr2-96920642-A-C.
Other names: c.338T>G, p.Leu113Arg (NM_001193304.3); c.86T>G, p.Leu29Arg (NM_001407282.1, NM_001407283.1); short protein forms L113R, L29R.
Identifiers: ClinVar variation 2749198 (VCV002749198.3), dbSNP rs2467266342, ClinGen allele CA347653409.

ClinVar aggregate classification (germline): Uncertain significance (1 of 4 stars; one submission).

Conditions:
Hereditary pheochromocytoma and paraganglioma. Also called: Hereditary Paraganglioma-Pheochromocytoma Syndromes; Hereditary pheochromocytoma-paraganglioma; Hereditary paragangliomas and pheochromocytomas. Identifiers: Orphanet 29072, MedGen C4274332, MONDO:0017366.

Submission:

Labcorp Genetics (formerly Invitae), Labcorp
Classification: Uncertain significance for Hereditary pheochromocytoma and paraganglioma. Last evaluated: 2023-08-02. Review status: criteria provided, single submitter. Criteria: Invitae Variant Classification Sherloc (09022015). Collection method: clinical testing. Allele origin: germline.
Comment: This sequence change replaces leucine, which is neutral and non-polar, with arginine, which is basic and polar, at codon 113 of the TMEM127 protein (p.Leu113Arg). In summary, the available evidence is currently insufficient to determine the role of this variant in disease. Therefore, it has been classified as a Variant of Uncertain Significance. An algorithm developed to predict the effect of missense changes on protein structure and function (PolyPhen-2) suggests that this variant is likely to be disruptive. This variant has not been reported in the literature in individuals affected with TMEM127-related conditions. This variant is not present in population databases (gnomAD no frequency).